The following is an entry in ClinVar:

NM_138387.4(G6PC3):c.184C>T (p.Leu62Phe)

Genes: G6PC3 (glucose-6-phosphatase catalytic subunit 3; plus strand), LOC130060959 (ATAC-STARR-seq lymphoblastoid active region 12250; plus strand). Cytogenetic location: 17q21.31.
Variant type: single nucleotide variant.
Coding change: c.184C>T on transcript NM_138387.4 (MANE Select); coding-DNA position 184, C replaced by T.
Protein change: p.Leu62Phe; replaces leucine 62 with phenylalanine.
Molecular consequence: missense variant. On other transcripts: 5 prime UTR variant (3), intron variant (1).
Genome position (GRCh38, 1-based): chr17:44,071,149, C>T. VCF-style: chr17-44071149-C-T. GRCh37 (hg19) VCF-style: chr17-42148517-C-T.
Other names: c.-221C>T (NM_001384165.1); c.-356C>T (NM_001384166.1); c.-346C>T (NM_001384167.1); c.-312+435C>T (NM_001384168.1); c.184C>T, p.Leu62Phe (NM_001319945.2); short protein forms L62F.
Identifiers: ClinVar variation 1402926 (VCV001402926.6), dbSNP rs2144135656, ClinGen allele CA399746366.

ClinVar aggregate classification (germline): Uncertain significance (1 of 4 stars; one submission).

Conditions:
Autosomal recessive severe congenital neutropenia due to G6PC3 deficiency. Also called: G6PC3 Deficiency; NEUTROPENIA, SEVERE CONGENITAL, 4, AUTOSOMAL RECESSIVE. Identifiers: Orphanet 331176, MedGen C2751630, MONDO:0012930, OMIM 612541.

Submission:

Labcorp Genetics (formerly Invitae), Labcorp
Classification: Uncertain significance for Autosomal recessive severe congenital neutropenia due to G6PC3 deficiency. Last evaluated: 2022-03-19. Review status: criteria provided, single submitter. Criteria: Invitae Variant Classification Sherloc (09022015). Collection method: clinical testing. Allele origin: germline.
Comment: In summary, the available evidence is currently insufficient to determine the role of this variant in disease. Therefore, it has been classified as a Variant of Uncertain Significance. Algorithms developed to predict the effect of missense changes on protein structure and function output the following: SIFT: "Tolerated"; PolyPhen-2: "Benign"; Align-GVGD: "Class C0". The phenylalanine amino acid residue is found in multiple mammalian species, which suggests that this missense change does not adversely affect protein function. This variant has not been reported in the literature in individuals affected with G6PC3-related conditions. This variant is not present in population databases (gnomAD no frequency). This sequence change replaces leucine, which is neutral and non-polar, with phenylalanine, which is neutral and non-polar, at codon 62 of the G6PC3 protein (p.Leu62Phe).